The following is an entry in ClinVar:

NM_130384.3(ATRIP):c.1605G>T (p.Gln535His)

Genes: ATRIP (ATR interacting protein; plus strand), ATRIP-TREX1 (ATRIP-TREX1 readthrough; plus strand). Cytogenetic location: 3p21.31.
Variant type: single nucleotide variant.
Coding change: c.1605G>T on transcript NM_130384.3 (MANE Select); coding-DNA position 1605, G replaced by T.
Protein change: p.Gln535His; replaces glutamine 535 with histidine.
Molecular consequence: missense variant. On other transcripts: non-coding transcript variant (1).
Genome position (GRCh38, 1-based): chr3:48,460,659, G>T. VCF-style: chr3-48460659-G-T. GRCh37 (hg19) VCF-style: chr3-48502058-G-T.
Other names: c.1224G>T, p.Gln408His (NM_001271022.2); c.1326G>T, p.Gln442His (NM_001271023.2); c.1605G>T, p.Gln535His (NM_032166.4); short protein forms Q442H, Q408H, Q535H.
Identifiers: ClinVar variation 4644590 (VCV004644590.1).

ClinVar aggregate classification (germline): Uncertain significance (1 of 4 stars; one submission).

Submission:

Ambry Genetics
Classification: Uncertain significance. Last evaluated: 2025-11-17. Review status: criteria provided, single submitter. Criteria: Ambry Variant Classification Scheme 2023. Collection method: clinical testing. Allele origin: germline.
Comment: The p.Q535H variant (also known as c.1605G>T), located in coding exon 8 of the ATRIP gene, results from a G to T substitution at nucleotide position 1605. The glutamine at codon 535 is replaced by histidine, an amino acid with highly similar properties. This amino acid position is conserved. In addition, this alteration is predicted to be tolerated by in silico analysis. Based on the available evidence, the clinical significance of this variant remains unclear.